The following is an entry in ClinVar:

NM_001378615.1(CC2D2A):c.4471dup (p.Ala1491fs)

Genes: CC2D2A (coiled-coil and C2 domain containing 2A; plus strand), FBXL5 (F-box and leucine rich repeat protein 5; minus strand). Cytogenetic location: 4p15.32.
Variant type: Duplication.
Coding change: c.4471dup on transcript NM_001378615.1 (MANE Select); coding-DNA position 4471, one base duplicated (G; older notation c.4471dupG).
Protein change: p.Ala1491fs; shifts the reading frame from alanine 1491.
Molecular consequence: frameshift variant.
Genome position (GRCh38, 1-based): chr4:15,597,440, G duplicated. VCF-style (leftmost placement, unchanged base first): chr4-15597439-A-AG. GRCh37 (hg19) VCF-style: chr4-15599062-A-AG.
Other names: c.4471dup, p.Ala1491fs (NM_001080522.2); c.4324dup, p.Ala1442fs (NM_001378617.1); short protein forms A1442fs, A1491fs.
Identifiers: ClinVar variation 2941461 (VCV002941461.4), dbSNP rs2475148144, ClinGen allele CA2740091257.

ClinVar aggregate classification (germline): Pathogenic. Review status: criteria provided, multiple submitters, no conflicts (2 of 4 stars). 2 submissions from 2 submitters: Pathogenic (2). Last evaluated 2026-01-26.

Conditions:
Joubert syndrome and related disorders. Identifiers: Orphanet 140874, MedGen C5679612, MONDO:0015369.
Joubert syndrome. Also called: JOUBERT-BOLTSHAUSER SYNDROME; Familial aplasia of the vermis. Identifiers: Orphanet 475, MedGen C5979921, MONDO:0018772.
Meckel-Gruber syndrome. Also called: DYSENCEPHALIA SPLANCHNOCYSTICA; GRUBER SYNDROME; Dysencephalia splachnocystica. Identifiers: Orphanet 564, MedGen C0265215, MONDO:0018921.

Submissions (2):

Myriad Genetics, Inc.
Classification: Pathogenic for Joubert syndrome and related disorders. Last evaluated: 2026-01-26. Review status: criteria provided, single submitter. Criteria: Myriad Autosomal Dominant, Autosomal Recessive and X-Linked Classification Criteria (2023). Collection method: clinical testing. Allele origin: unknown.
Comment: NM_001080522.2(CC2D2A):c.4471dupG(A1491Gfs*5) is expected to be pathogenic in the context of CC2D2A-related disorders. This variant is predicted to lead to an abnormal or absent protein product due to the creation of a premature termination codon in CC2D2A, a gene where loss-of-function variants are known to be pathogenic. Please note: this variant was assessed in the context of healthy population screening.

Labcorp Genetics (formerly Invitae), Labcorp
Classification: Pathogenic for Joubert syndrome; Meckel-Gruber syndrome. Last evaluated: 2022-11-10. Review status: criteria provided, single submitter. Criteria: Invitae Variant Classification Sherloc (09022015). Collection method: clinical testing. Allele origin: germline.
Comment: This sequence change creates a premature translational stop signal (p.Ala1491Glyfs*5) in the CC2D2A gene. It is expected to result in an absent or disrupted protein product. Loss-of-function variants in CC2D2A are known to be pathogenic (PMID: 19777577). For these reasons, this variant has been classified as Pathogenic. This variant has not been reported in the literature in individuals affected with CC2D2A-related conditions. This variant is not present in population databases (gnomAD no frequency).

Literature cited by the submitters: PubMed 19777577 (cited by Labcorp Genetics (formerly Invitae), Labcorp).